The following is an entry in ClinVar:

NM_006206.6(PDGFRA):c.2553G>A (p.Ser851=)

Gene: PDGFRA (platelet derived growth factor receptor alpha; plus strand). Cytogenetic location: 4q12.
Variant type: single nucleotide variant.
Coding change: c.2553G>A on transcript NM_006206.6 (MANE Select); coding-DNA position 2553, G replaced by A.
Protein change: p.Ser851=; no amino-acid change (serine 851 retained).
Molecular consequence: synonymous variant.
Genome position (GRCh38, 1-based): chr4:54,285,954, G>A. VCF-style: chr4-54285954-G-A. GRCh37 (hg19) VCF-style: chr4-55152121-G-A.
Other names: c.2628G>A, p.Ser876= (NM_001347828.2); c.2553G>A, p.Ser851= (NM_001347829.2); c.2592G>A, p.Ser864= (NM_001347830.2); c.2553G>A (NM_006206.5).
Identifiers: ClinVar variation 459060 (VCV000459060.17), dbSNP rs374372636, ClinGen allele CA2922888.

ClinVar aggregate classification (germline): Benign/Likely benign. Review status: criteria provided, multiple submitters, no conflicts (2 of 4 stars). 4 submissions from 4 submitters: Benign (1); Likely benign (2). 1 of the submissions does not count toward it. Last evaluated 2026-06-17.

Conditions:
PDGFRA-related disorder. Also called: PDGFRA-related condition.
Polyps, multiple and recurrent inflammatory fibroid, gastrointestinal. Identifiers: MedGen C5193005, MONDO:0008285, OMIM 175510.
Hereditary cancer-predisposing syndrome. Also called: Tumor predisposition; Hereditary neoplastic syndrome; Neoplastic Syndromes, Hereditary; Hereditary Cancer Syndrome. Identifiers: Orphanet 140162, MedGen C0027672, MeSH D009386, MONDO:0015356.
Gastrointestinal stromal tumor. Also called: Gastrointestinal stroma tumor; Gastrointestinal stromal tumor, somatic. Identifiers: Orphanet 44890, MedGen C0238198, MeSH D046152, MONDO:0011719, OMIM 606764, HP:0100723.

Allele frequency attached by ClinVar (database versions not stated): gnomAD 0.00002; ExAC 0.00003; gnomAD exomes 0.00003 and 0.00004; TOPMed 0.00003; ESP Exome Variant Server 0.00008.
gnomAD v4.1: 60 of 1,613,956 alleles (0.0037%); highest among the groups gnomAD compares: East Asian, 0.018%; 1 homozygote.

Submissions (4):

Myriad Genetics, Inc.
Classification: Benign for Polyps, multiple and recurrent inflammatory fibroid, gastrointestinal. Last evaluated: 2026-06-17. Review status: criteria provided, single submitter. Criteria: Myriad Autosomal Dominant, Autosomal Recessive and X-Linked Classification Criteria (2023). Collection method: clinical testing. Allele origin: unknown.
Comment: This variant is considered benign. This variant is a silent/synonymous amino acid change and it is not expected to impact splicing.

Labcorp Genetics (formerly Invitae), Labcorp
Classification: Likely benign for Gastrointestinal stromal tumor. Last evaluated: 2026-01-13. Review status: criteria provided, single submitter. Criteria: Invitae Variant Classification Sherloc (09022015). Collection method: clinical testing. Allele origin: germline.

Ambry Genetics
Classification: Likely benign for Hereditary cancer-predisposing syndrome. Last evaluated: 2019-12-19. Review status: criteria provided, single submitter. Criteria: Ambry Variant Classification Scheme 2023. Collection method: clinical testing. Allele origin: germline.

PreventionGenetics, part of Exact Sciences
Classification: Likely benign for PDGFRA-related condition. Last evaluated: 2020-12-18. Review status: no assertion criteria provided. Collection method: clinical testing. Allele origin: germline. Not counted in ClinVar's aggregate classification.
Comment: This variant is classified as likely benign based on ACMG/AMP sequence variant interpretation guidelines (Richards et al. 2015 PMID: 25741868, with internal and published modifications).